The following is an entry in ClinVar:

ClinVar aggregate classification (germline): Uncertain significance (1 of 4 stars; one submission).

Allele frequency attached by ClinVar (database versions not stated): gnomAD 0.00001; ExAC 0.00003; gnomAD exomes 0.00003.
gnomAD v4.1: 24 of 1,609,724 alleles (0.0015%); highest among the groups gnomAD compares: Non-Finnish European, 0.0018%; no homozygotes.

Submission:

Labcorp Genetics (formerly Invitae), Labcorp
Classification: Uncertain significance. Last evaluated: 2025-10-13. Review status: criteria provided, single submitter. Criteria: Invitae Variant Classification Sherloc (09022015). Collection method: clinical testing. Allele origin: germline.
Comment: This sequence change replaces aspartic acid, which is acidic and polar, with asparagine, which is neutral and polar, at codon 937 of the TOP3A protein (p.Asp937Asn). This variant is present in population databases (rs755462826, gnomAD 0.005%). This variant has not been reported in the literature in individuals affected with TOP3A-related conditions. ClinVar contains an entry for this variant (Variation ID: 1439839). An algorithm developed to predict the effect of missense changes on protein structure and function (PolyPhen-2) suggests that this variant is likely to be disruptive. In summary, the available evidence is currently insufficient to determine the role of this variant in disease. Therefore, it has been classified as a Variant of Uncertain Significance.

NM_004618.5(TOP3A):c.2809G>A (p.Asp937Asn)

Gene: TOP3A (DNA topoisomerase III alpha; minus strand). Cytogenetic location: 17p11.2.
Variant type: single nucleotide variant.
Coding change: c.2809G>A on transcript NM_004618.5 (MANE Select); coding-DNA position 2809, G replaced by A.
Protein change: p.Asp937Asn; replaces aspartic acid 937 with asparagine.
Molecular consequence: missense variant.
Genome position (GRCh38, 1-based): chr17:18,277,693, C>T on the plus strand (G>A on the coding strand, the complement: TOP3A is on the minus strand). VCF-style: chr17-18277693-C-T. GRCh37 (hg19) VCF-style: chr17-18181007-C-T.
Other names: c.2524G>A, p.Asp842Asn (NM_001320759.2); short protein forms D842N, D937N.
Identifiers: ClinVar variation 1439839 (VCV001439839.7), dbSNP rs755462826, ClinGen allele CA8429514.